The following is an entry in ClinVar:

ClinVar aggregate classification (germline): Uncertain significance (1 of 4 stars; one submission).

Allele frequency attached by ClinVar (database versions not stated): gnomAD 0.00001; gnomAD exomes 0.00001.

Submission:

Labcorp Genetics (formerly Invitae), Labcorp
Classification: Uncertain significance. Last evaluated: 2024-04-17. Review status: criteria provided, single submitter. Criteria: Invitae Variant Classification Sherloc (09022015). Collection method: clinical testing. Allele origin: germline.
Comment: This sequence change replaces proline, which is neutral and non-polar, with serine, which is neutral and polar, at codon 1323 of the MAST1 protein (p.Pro1323Ser). The frequency data for this variant in the population databases is considered unreliable, as metrics indicate poor data quality at this position in the gnomAD database. This variant has not been reported in the literature in individuals affected with MAST1-related conditions. ClinVar contains an entry for this variant (Variation ID: 1976990). Algorithms developed to predict the effect of missense changes on protein structure and function output the following: SIFT: "Not Available"; PolyPhen-2: "Benign"; Align-GVGD: "Not Available". The serine amino acid residue is found in multiple mammalian species, which suggests that this missense change does not adversely affect protein function. In summary, the available evidence is currently insufficient to determine the role of this variant in disease. Therefore, it has been classified as a Variant of Uncertain Significance.

NM_014975.3(MAST1):c.3967C>T (p.Pro1323Ser)

Gene: MAST1 (microtubule associated serine/threonine kinase 1; plus strand). Cytogenetic location: 19p13.13.
Variant type: single nucleotide variant.
Coding change: c.3967C>T on transcript NM_014975.3 (MANE Select); coding-DNA position 3967, C replaced by T.
Protein change: p.Pro1323Ser; replaces proline 1323 with serine.
Molecular consequence: missense variant.
Genome position (GRCh38, 1-based): chr19:12,874,124, C>T. VCF-style: chr19-12874124-C-T. GRCh37 (hg19) VCF-style: chr19-12984938-C-T.
Other names: short protein forms P1323S.
Identifiers: ClinVar variation 1976990 (VCV001976990.5), dbSNP rs1372158329, ClinGen allele CA404289478.